The following is an entry in ClinVar:

ClinVar aggregate classification (germline): Uncertain significance. Review status: criteria provided, multiple submitters, no conflicts (2 of 4 stars). 3 submissions from 3 submitters: Uncertain significance (3). Last evaluated 2025-01-20.

Conditions:
Epilepsy, X-linked 1, with variable learning disabilities and behavior disorders. Also called: X-linked epilepsy-learning disabilities-behavior disorders syndrome. Identifiers: Orphanet 85294, MedGen C5774177, MONDO:0010339, OMIM 300491.
Inborn genetic diseases. Identifiers: MedGen C0950123, MeSH D030342.

Allele frequency attached by ClinVar (database versions not stated): gnomAD exomes 0.00001.

Submissions (3):

Ambry Genetics
Classification: Uncertain significance for Inborn genetic diseases. Last evaluated: 2025-01-20. Review status: criteria provided, single submitter. Criteria: Ambry Variant Classification Scheme 2023. Collection method: clinical testing. Allele origin: germline.

Labcorp Genetics (formerly Invitae), Labcorp
Classification: Uncertain significance for Epilepsy, X-linked 1, with variable learning disabilities and behavior disorders. Last evaluated: 2023-09-29. Review status: criteria provided, single submitter. Criteria: Invitae Variant Classification Sherloc (09022015). Collection method: clinical testing. Allele origin: germline.
Comment: ClinVar contains an entry for this variant (Variation ID: 426694). This sequence change replaces valine, which is neutral and non-polar, with methionine, which is neutral and non-polar, at codon 295 of the SYN1 protein (p.Val295Met). This variant is present in population databases (no rsID available, gnomAD 0.001%). This variant has not been reported in the literature in individuals affected with SYN1-related conditions. An algorithm developed to predict the effect of missense changes on protein structure and function (PolyPhen-2) suggests that this variant is likely to be disruptive. In summary, the available evidence is currently insufficient to determine the role of this variant in disease. Therefore, it has been classified as a Variant of Uncertain Significance.

GeneDx
Classification: Uncertain significance. Last evaluated: 2019-04-23. Review status: criteria provided, single submitter. Criteria: GeneDx Variant Classification Process June 2021. Collection method: clinical testing. Allele origin: germline. Affected: yes.
Comment: Not observed at a significant frequency in large population cohorts (Lek et al., 2016); In silico analysis, which includes protein predictors and evolutionary conservation, supports a deleterious effect; Has not been previously published as pathogenic or benign to our knowledge

NM_006950.3(SYN1):c.883G>A (p.Val295Met)

Gene: SYN1 (synapsin I; minus strand). Cytogenetic location: Xp11.3.
Variant type: single nucleotide variant.
Coding change: c.883G>A on transcript NM_006950.3 (MANE Select); coding-DNA position 883, G replaced by A.
Protein change: p.Val295Met; replaces valine 295 with methionine.
Molecular consequence: missense variant.
Genome position (GRCh38, 1-based): chrX:47,576,595, C>T on the plus strand (G>A on the coding strand, the complement: SYN1 is on the minus strand). VCF-style: chrX-47576595-C-T. GRCh37 (hg19) VCF-style: chrX-47435994-C-T.
Other names: c.883G>A, p.Val295Met (NM_133499.2); short protein forms V295M.
Identifiers: ClinVar variation 426694 (VCV000426694.12), dbSNP rs1085307749, ClinGen allele CA412827314.